The following is an entry in ClinVar:

ClinVar aggregate classification (germline): Uncertain significance (1 of 4 stars; one submission).

Conditions:
HIP1-related disorder. Also called: HIP1-related condition.

Submission:

PreventionGenetics, part of Exact Sciences
Classification: Uncertain significance for HIP1-related condition. Last evaluated: 2026-07-30. Review status: criteria provided, single submitter. Criteria: ACMG Guidelines, 2015. Collection method: clinical testing. Allele origin: germline.
Comment: The HIP1 c.1038dupG variant is predicted to result in a frameshift and premature protein termination (p.Phe347Valfs*2). To our knowledge, this variant has not been reported in the literature or in a large population database (gnomAD), indicating this variant is rare. While large deletions have been reported as causative, loss of function variants have not commonly been reported in HIP1-related disease. At this time, the clinical significance of this variant is uncertain due to the absence of conclusive functional and genetic evidence.

NM_005338.7(HIP1):c.1038dup (p.Phe347fs)

Gene: HIP1 (huntingtin interacting protein 1; minus strand). Cytogenetic location: 7q11.23.
Variant type: Duplication.
Coding change: c.1038dup on transcript NM_005338.7 (MANE Select); coding-DNA position 1038, one base duplicated (G; older notation c.1038dupG).
Protein change: p.Phe347fs; shifts the reading frame from phenylalanine 347.
Molecular consequence: frameshift variant.
Genome position (GRCh38, 1-based): chr7:75,562,153, C duplicated on the plus strand (G on the coding strand, the reverse complement: HIP1 is on the minus strand). VCF-style (leftmost placement, unchanged base first): chr7-75562152-A-AC. GRCh37 (hg19) VCF-style: chr7-75191456-A-AC.
Other names: c.1038dup, p.Phe347fs (NM_001243198.3); c.936dup, p.Phe313fs (NM_001382444.1); c.951dup, p.Phe318fs (NM_001382445.1); short protein forms F347fs, F313fs, F318fs.
Identifiers: ClinVar variation 5000998 (VCV005000998.1).
Genomic context (GRCh38, chr7:75,562,152, plus strand): 5'-CATTTTGACTGTTGAAATTGAAGGGATCACTGCTGAATGAACTGCCAAAGATGTCATCAA[A>AC]CTTGTTGTCAAATAAATTCTGTGGTTGACCAAAAAGGAGTGAGAATAAGTCAGAGAGCCA-3'